The following is an entry in ClinVar:

ClinVar aggregate classification (germline): Uncertain significance (1 of 4 stars; one submission).

Conditions:
Intellectual disability, autosomal recessive 53 (NEDHSCA). Also called: GLYCOSYLPHOSPHATIDYLINOSITOL BIOSYNTHESIS DEFECT 13; Mental retardation, autosomal recessive 53; NEURODEVELOPMENTAL DISORDER WITH OR WITHOUT HYPOTONIA, SEIZURES, AND CEREBELLAR ATROPHY. Identifiers: Orphanet 488635, MedGen C4310794, MONDO:0014832, OMIM 616917.

Submission:

Labcorp Genetics (formerly Invitae), Labcorp
Classification: Uncertain significance for Intellectual disability, autosomal recessive 53. Last evaluated: 2021-12-09. Review status: criteria provided, single submitter. Criteria: Invitae Variant Classification Sherloc (09022015). Collection method: clinical testing. Allele origin: germline.
Comment: This variant, c.2880_2881delinsAT, is a complex sequence change that results in the deletion of 2 and insertion of 2 amino acid(s) in the PIGG protein (p.Met960_His961delinsIleTyr). Information on the frequency of this variant in the gnomAD database is not available, as this variant may be reported differently in the database. This variant has not been reported in the literature in individuals affected with PIGG-related conditions. Experimental studies and prediction algorithms are not available or were not evaluated, and the functional significance of this variant is currently unknown. In summary, the available evidence is currently insufficient to determine the role of this variant in disease. Therefore, it has been classified as a Variant of Uncertain Significance.

NM_001127178.3(PIGG):c.2880_2881delinsAT (p.Met960_His961delinsIleTyr)

Gene: PIGG (phosphatidylinositol glycan anchor biosynthesis class G (EMM blood group); plus strand). Cytogenetic location: 4p16.3.
Variant type: Indel.
Coding change: c.2880_2881delinsAT on transcript NM_001127178.3 (MANE Select); coding-DNA positions 2880 to 2881, GC replaced by AT.
Protein change: p.Met960_His961delinsIleTyr.
Molecular consequence: missense variant. On other transcripts: non-coding transcript variant (10).
Genome position (GRCh38, 1-based): chr4:539,297-539,298, GC replaced by AT. VCF-style: chr4-539297-GC-AT. GRCh37 (hg19) VCF-style: chr4-533086-GC-AT.
Other names: c.2613_2614delinsAT, p.Met871_His872delinsIleTyr (NM_001289051.2, NM_001345986.2); c.2481_2482delinsAT, p.Met827_His828delinsIleTyr (NM_001289052.2); c.2589_2590delinsAT, p.Met863_His864delinsIleTyr (NM_001345987.2); c.1851_1852delinsAT, p.Met617_His618delinsIleTyr (NM_001345988.2); c.1347_1348delinsAT, p.Met449_His450delinsIleTyr (NM_001345990.2, NM_001345991.2); c.1782_1783delinsAT, p.Met594_His595delinsIleTyr (NM_001345994.2); c.2856_2857delinsAT, p.Met952_His953delinsIleTyr (NM_017733.5).
Identifiers: ClinVar variation 2038838 (VCV002038838.4), dbSNP rs2475200357, ClinGen allele CA2580070658.